The following is an entry in ClinVar:

NM_183381.3(RNF13):c.1019A>C (p.Asp340Ala)

Gene: RNF13 (ring finger protein 13; plus strand). Cytogenetic location: 3q25.1.
Variant type: single nucleotide variant.
Coding change: c.1019A>C on transcript NM_183381.3 (MANE Select); coding-DNA position 1019, A replaced by C.
Protein change: p.Asp340Ala; replaces aspartic acid 340 with alanine.
Molecular consequence: missense variant. On other transcripts: non-coding transcript variant (1).
Genome position (GRCh38, 1-based): chr3:149,960,977, A>C. VCF-style: chr3-149960977-A-C. GRCh37 (hg19) VCF-style: chr3-149678764-A-C.
Other names: c.1019A>C, p.Asp340Ala (NM_001378285.1, NM_001378286.1, NM_007282.4); c.662A>C, p.Asp221Ala (NM_001378287.1, NM_001378288.1, NM_001378289.1 and 2 more transcripts); c.626A>C, p.Asp209Ala (NM_001378291.1); short protein forms D340A, D209A, D221A.
Identifiers: ClinVar variation 1464596 (VCV001464596.8), dbSNP rs894452767, ClinGen allele CA85604710.

ClinVar aggregate classification (germline): Uncertain significance (1 of 4 stars; one submission).

Allele frequency attached by ClinVar (database versions not stated): gnomAD exomes below 0.00001; TOPMed 0.00001.
gnomAD v4.1: 1 of 1,614,254 alleles (0.000062%); highest among the groups gnomAD compares: African/African-American, 0.0013%; no homozygotes.

Submission:

Labcorp Genetics (formerly Invitae), Labcorp
Classification: Uncertain significance. Last evaluated: 2021-06-28. Review status: criteria provided, single submitter. Criteria: Invitae Variant Classification Sherloc (09022015). Collection method: clinical testing. Allele origin: germline.
Comment: This sequence change replaces aspartic acid with alanine at codon 340 of the RNF13 protein (p.Asp340Ala). The aspartic acid residue is weakly conserved and there is a moderate physicochemical difference between aspartic acid and alanine. This variant is not present in population databases (ExAC no frequency). This variant has not been reported in the literature in individuals affected with RNF13-related conditions. Algorithms developed to predict the effect of missense changes on protein structure and function (SIFT, PolyPhen-2, Align-GVGD) all suggest that this variant is likely to be tolerated. In summary, the available evidence is currently insufficient to determine the role of this variant in disease. Therefore, it has been classified as a Variant of Uncertain Significance.